The following is an entry in ClinVar:

ClinVar aggregate classification (germline): Uncertain significance (1 of 4 stars; one submission).

Conditions:
Congenital contractural arachnodactyly (CCA). Also called: Arthrogryposis, distal, type 9; BEALS SYNDROME; Beals-Hecht syndrome. Identifiers: Orphanet 115, MedGen C0220668, MONDO:0007363, OMIM 121050.

gnomAD v4.1: 2 of 1,613,738 alleles (0.00012%); highest among the groups gnomAD compares: Middle Eastern, 0.016%; no homozygotes.

Submission:

Labcorp Genetics (formerly Invitae), Labcorp
Classification: Uncertain significance for Congenital contractural arachnodactyly. Last evaluated: 2025-11-09. Review status: criteria provided, single submitter. Criteria: Invitae Variant Classification Sherloc (09022015). Collection method: clinical testing. Allele origin: germline.
Comment: This sequence change replaces serine, which is neutral and polar, with threonine, which is neutral and polar, at codon 2218 of the FBN2 protein (p.Ser2218Thr). This variant is not present in population databases (gnomAD no frequency). This variant has not been reported in the literature in individuals affected with FBN2-related conditions. Invitae Evidence Modeling of protein sequence and biophysical properties (such as structural, functional, and spatial information, amino acid conservation, physicochemical variation, residue mobility, and thermodynamic stability) indicates that this missense variant is not expected to disrupt FBN2 protein function with a negative predictive value of 80%. In summary, the available evidence is currently insufficient to determine the role of this variant in disease. Therefore, it has been classified as a Variant of Uncertain Significance.

NM_001999.4(FBN2):c.6652T>A (p.Ser2218Thr)

Gene: FBN2 (fibrillin 2; minus strand). Cytogenetic location: 5q23.3.
Variant type: single nucleotide variant.
Coding change: c.6652T>A on transcript NM_001999.4 (MANE Select); coding-DNA position 6652, T replaced by A.
Protein change: p.Ser2218Thr; replaces serine 2218 with threonine.
Molecular consequence: missense variant.
Genome position (GRCh38, 1-based): chr5:128,288,543, A>T on the plus strand (T>A on the coding strand, the complement: FBN2 is on the minus strand). VCF-style: chr5-128288543-A-T. GRCh37 (hg19) VCF-style: chr5-127624235-A-T.
Other names: short protein forms S2218T.
Identifiers: ClinVar variation 4707275 (VCV004707275.1).